The following is an entry in ClinVar:

ClinVar aggregate classification (germline): Likely benign (1 of 4 stars; one submission).

gnomAD v4.1: 1 of 1,614,156 alleles (0.000062%); highest among the groups gnomAD compares: Non-Finnish European, 0.000085%; no homozygotes.

Submission:

CeGaT Center for Human Genetics Tuebingen
Classification: Likely benign. Last evaluated: 2025-12-01. Review status: criteria provided, single submitter. Criteria: CeGaT Center For Human Genetics Tuebingen Variant Classification Criteria Version 2. Collection method: clinical testing. Allele origin: germline. Affected: yes. Observed: 1 variant allele.
Comment: TGM6: BP4, BP7

NM_198994.3(TGM6):c.1143T>C (p.Asp381=)

Gene: TGM6 (transglutaminase 6; plus strand). Cytogenetic location: 20p13.
Variant type: single nucleotide variant.
Coding change: c.1143T>C on transcript NM_198994.3 (MANE Select); coding-DNA position 1143, T replaced by C.
Protein change: p.Asp381=; no amino-acid change (aspartic acid 381 retained).
Molecular consequence: synonymous variant.
Genome position (GRCh38, 1-based): chr20:2,403,630, T>C. VCF-style: chr20-2403630-T-C. GRCh37 (hg19) VCF-style: chr20-2384276-T-C.
Other names: c.1143T>C, p.Asp381= (NM_001254734.2).
Identifiers: ClinVar variation 4681691 (VCV004681691.5).
Genomic context (GRCh38, chr20:2,403,630, plus strand): 5'-CTCCTGCCCAGGTGTGTTCCGGTGCGGCCCAGCCTCAGTCACCGCCATCCGCGAGGGTGA[T>C]GTGCACCTGGCTCACGATGGCCCCTTCGTGTTTGCGGAGGTCAACGCCGACTACATCACC-3'
Protein context (NP_945345.2, residues 371-391): PASVTAIREG[Asp381=]VHLAHDGPFV